The following is an entry in ClinVar:

ClinVar aggregate classification (germline): Uncertain significance (1 of 4 stars; one submission).

Conditions:
Norman-Roberts syndrome (LIS2). Also called: Lissencephaly 2 (Norman-Roberts type). Identifiers: Orphanet 89844, MedGen C0796089, MONDO:0009760, OMIM 257320.
Familial temporal lobe epilepsy 7. Identifiers: Orphanet 101046, MedGen C4225327, MONDO:0014639, OMIM 616436.

Submission:

Labcorp Genetics (formerly Invitae), Labcorp
Classification: Uncertain significance for Familial temporal lobe epilepsy 7; Norman-Roberts syndrome. Last evaluated: 2026-01-13. Review status: criteria provided, single submitter. Criteria: Invitae Variant Classification Sherloc (09022015). Collection method: clinical testing. Allele origin: germline.
Comment: This sequence change replaces methionine, which is neutral and non-polar, with arginine, which is basic and polar, at codon 158 of the RELN protein (p.Met158Arg). This variant is not present in population databases (gnomAD no frequency). This variant has not been reported in the literature in individuals affected with RELN-related conditions. An algorithm developed to predict the effect of missense changes on protein structure and function (PolyPhen-2) suggests that this variant is likely to be tolerated. In summary, the available evidence is currently insufficient to determine the role of this variant in disease. Therefore, it has been classified as a Variant of Uncertain Significance.

NM_005045.4(RELN):c.473T>G (p.Met158Arg)

Gene: RELN (reelin; minus strand). Cytogenetic location: 7q22.1.
Variant type: single nucleotide variant.
Coding change: c.473T>G on transcript NM_005045.4 (MANE Select); coding-DNA position 473, T replaced by G.
Protein change: p.Met158Arg; replaces methionine 158 with arginine.
Molecular consequence: missense variant.
Genome position (GRCh38, 1-based): chr7:103,833,537, A>C on the plus strand (T>G on the coding strand, the complement: RELN is on the minus strand). VCF-style: chr7-103833537-A-C. GRCh37 (hg19) VCF-style: chr7-103473984-A-C.
Other names: c.473T>G, p.Met158Arg (NM_173054.3); short protein forms M158R.
Identifiers: ClinVar variation 4787860 (VCV004787860.1).